The following is an entry in ClinVar:

NM_004517.4(ILK):c.1001G>A (p.Arg334Gln)

Genes: ILK (integrin linked kinase; plus strand), TAF10 (TATA-box binding protein associated factor 10; minus strand). Cytogenetic location: 11p15.4.
Variant type: single nucleotide variant.
Coding change: c.1001G>A on transcript NM_004517.4 (MANE Select); coding-DNA position 1001, G replaced by A.
Protein change: p.Arg334Gln; replaces arginine 334 with glutamine.
Molecular consequence: missense variant. On other transcripts: 3 prime UTR variant (1).
Genome position (GRCh38, 1-based): chr11:6,609,958, G>A. VCF-style: chr11-6609958-G-A. GRCh37 (hg19) VCF-style: chr11-6631189-G-A.
Other names: c.1001G>A, p.Arg334Gln (NM_001014795.3, NM_001014794.3); c.818G>A, p.Arg273Gln (NM_001278441.2); c.599G>A, p.Arg200Gln (NM_001278442.2); c.*964C>T (NM_006284.4); short protein forms R334Q, R200Q, R273Q.
Identifiers: ClinVar variation 1769485 (VCV001769485.6), dbSNP rs566678782, ClinGen allele CA5858248.

ClinVar aggregate classification (germline): Uncertain significance. Review status: criteria provided, multiple submitters, no conflicts (2 of 4 stars). 2 submissions from 2 submitters: Uncertain significance (2). Last evaluated 2025-11-16.

Conditions:
Primary familial hypertrophic cardiomyopathy (HCM). Identifiers: Orphanet 99739, MedGen C0949658, MeSH D024741, MONDO:0024573. Inheritance: Various modes of inheritance.

Allele frequency attached by ClinVar (database versions not stated): gnomAD 0.00001; TOPMed 0.00002; ExAC 0.00005; 1000 Genomes Project 30x 0.00016; 1000 Genomes Project 0.00020.
gnomAD v4.1: 13 of 1,614,126 alleles (0.00081%); highest among the groups gnomAD compares: South Asian, 0.0044%; no homozygotes.

Submissions (2):

Ambry Genetics
Classification: Uncertain significance. Last evaluated: 2025-11-16. Review status: criteria provided, single submitter. Criteria: Ambry Variant Classification Scheme 2023. Collection method: clinical testing. Allele origin: germline.
Comment: The p.R334Q variant (also known as c.1001G>A), located in coding exon 10 of the ILK gene, results from a G to A substitution at nucleotide position 1001. The arginine at codon 334 is replaced by glutamine, an amino acid with highly similar properties. This amino acid position is conserved. In addition, this alteration is predicted to be deleterious by in silico analysis. Since supporting evidence is limited at this time, the clinical significance of this alteration remains unclear.

Labcorp Genetics (formerly Invitae), Labcorp
Classification: Uncertain significance for Primary familial hypertrophic cardiomyopathy. Last evaluated: 2025-10-19. Review status: criteria provided, single submitter. Criteria: Invitae Variant Classification Sherloc (09022015). Collection method: clinical testing. Allele origin: germline.
Comment: This sequence change replaces arginine, which is basic and polar, with glutamine, which is neutral and polar, at codon 334 of the ILK protein (p.Arg334Gln). This variant is present in population databases (rs566678782, gnomAD 0.01%). This variant has not been reported in the literature in individuals affected with ILK-related conditions. ClinVar contains an entry for this variant (Variation ID: 1769485). An algorithm developed to predict the effect of missense changes on protein structure and function (PolyPhen-2) suggests that this variant is likely to be disruptive. In summary, the available evidence is currently insufficient to determine the role of this variant in disease. Therefore, it has been classified as a Variant of Uncertain Significance.